The following is an entry in ClinVar:

NM_022455.5(NSD1):c.662C>T (p.Ala221Val)

Gene: NSD1 (nuclear receptor binding SET domain protein 1; plus strand). Cytogenetic location: 5q35.3.
Variant type: single nucleotide variant.
Coding change: c.662C>T on transcript NM_022455.5 (MANE Select); coding-DNA position 662, C replaced by T.
Protein change: p.Ala221Val; replaces alanine 221 with valine.
Molecular consequence: missense variant. On other transcripts: intron variant (8).
Genome position (GRCh38, 1-based): chr5:177,135,765, C>T. VCF-style: chr5-177135765-C-T. GRCh37 (hg19) VCF-style: chr5-176562766-C-T.
Other names: c.662C>T, p.Ala221Val (NM_001409301.1, NM_001409302.1, NM_001409303.1); c.-36-176C>T (NM_001365684.2, NM_001409305.1, NM_001409306.1 and 4 more transcripts); c.418-176C>T (NM_001409304.1); short protein forms A221V.
Identifiers: ClinVar variation 392271 (VCV000392271.4), dbSNP rs1057524420, ClinGen allele CA16604925.

ClinVar aggregate classification (germline): Uncertain significance. Review status: criteria provided, multiple submitters, no conflicts (2 of 4 stars). 2 submissions from 2 submitters: Uncertain significance (2). Last evaluated 2024-09-04.

Allele frequency attached by ClinVar (database versions not stated): gnomAD exomes below 0.00001; TOPMed 0.00002.
gnomAD v4.1: 2 of 1,613,490 alleles (0.00012%); highest among the groups gnomAD compares: African/African-American, 0.0013%; no homozygotes.

Submissions (2):

Labcorp Genetics (formerly Invitae), Labcorp
Classification: Uncertain significance. Last evaluated: 2024-09-04. Review status: criteria provided, single submitter. Criteria: Invitae Variant Classification Sherloc (09022015). Collection method: clinical testing. Allele origin: germline.
Comment: This sequence change replaces alanine, which is neutral and non-polar, with valine, which is neutral and non-polar, at codon 221 of the NSD1 protein (p.Ala221Val). This variant is not present in population databases (gnomAD no frequency). This variant has not been reported in the literature in individuals affected with NSD1-related conditions. ClinVar contains an entry for this variant (Variation ID: 392271). Invitae Evidence Modeling of protein sequence and biophysical properties (such as structural, functional, and spatial information, amino acid conservation, physicochemical variation, residue mobility, and thermodynamic stability) indicates that this missense variant is not expected to disrupt NSD1 protein function with a negative predictive value of 95%. In summary, the available evidence is currently insufficient to determine the role of this variant in disease. Therefore, it has been classified as a Variant of Uncertain Significance.

GeneDx
Classification: Uncertain significance. Last evaluated: 2016-12-22. Review status: criteria provided, single submitter. Criteria: GeneDx Variant Classification (06012015). Collection method: clinical testing. Allele origin: germline. Affected: yes.
Comment: A variant of uncertain significance has been identified in the NSD1 gene. The A221V variant has not been published as a pathogenic variant, nor has it been reported as a benign variant to our knowledge. The A221V variant is not observed in large population cohorts (Lek et al., 2016; 1000 Genomes Consortium et al., 2015; Exome Variant Server). The A221V variant is a conservative amino acid substitution, which is not likely to impact secondary protein structure as these residues share similar properties. This substitution occurs at a position that is not conserved. However, in silico analysis is inconsistent in its predictions as to whether or not the variant is damaging to the protein structure/function. Therefore, based on the currently available information, it is unclear whether this variant is a pathogenic variant or a rare benign variant.